The following is an entry in ClinVar:

ClinVar aggregate classification (germline): Uncertain significance (1 of 4 stars; one submission).

Conditions:
Oculodentodigital dysplasia, autosomal recessive. Also called: OCULODENTOOSSEOUS DYSPLASIA, AUTOSOMAL RECESSIVE; ODDD, AUTOSOMAL RECESSIVE; ODOD, AUTOSOMAL RECESSIVE. Identifiers: Orphanet 2710, MedGen C2749477, MONDO:0009768, OMIM 257850.

Submission:

Labcorp Genetics (formerly Invitae), Labcorp
Classification: Uncertain significance for Oculodentodigital dysplasia, autosomal recessive. Last evaluated: 2024-08-10. Review status: criteria provided, single submitter. Criteria: Invitae Variant Classification Sherloc (09022015). Collection method: clinical testing. Allele origin: germline.
Comment: This sequence change replaces phenylalanine, which is neutral and non-polar, with serine, which is neutral and polar, at codon 268 of the GJA1 protein (p.Phe268Ser). This variant is not present in population databases (gnomAD no frequency). This variant has not been reported in the literature in individuals affected with GJA1-related conditions. Advanced modeling of protein sequence and biophysical properties (such as structural, functional, and spatial information, amino acid conservation, physicochemical variation, residue mobility, and thermodynamic stability) has been performed at Invitae for this missense variant, however the output from this modeling did not meet the statistical confidence thresholds required to predict the impact of this variant on GJA1 protein function. In summary, the available evidence is currently insufficient to determine the role of this variant in disease. Therefore, it has been classified as a Variant of Uncertain Significance.

NM_000165.5(GJA1):c.803T>C (p.Phe268Ser)

Gene: GJA1 (gap junction protein alpha 1; plus strand). Cytogenetic location: 6q22.31.
Variant type: single nucleotide variant.
Coding change: c.803T>C on transcript NM_000165.5 (MANE Select); coding-DNA position 803, T replaced by C.
Protein change: p.Phe268Ser; replaces phenylalanine 268 with serine.
Molecular consequence: missense variant.
Genome position (GRCh38, 1-based): chr6:121,447,650, T>C. VCF-style: chr6-121447650-T-C. GRCh37 (hg19) VCF-style: chr6-121768796-T-C.
Other names: short protein forms F268S.
Identifiers: ClinVar variation 3661349 (VCV003661349.2).
Genomic context (GRCh38, chr6:121,447,650, plus strand): 5'-ATGCGACCAGTGGTGCGCTGAGCCCTGCCAAAGACTGTGGGTCTCAAAAATATGCTTATT[T>C]CAATGGCTGCTCCTCACCAACCGCTCCCCTCTCGCCTATGTCTCCTCCTGGGTACAAGCT-3'
Protein context (NP_000156.1, residues 258-278): KDCGSQKYAY[Phe268Ser]NGCSSPTAPL